The following is an entry in ClinVar:

NM_001111125.3(IQSEC2):c.1401+4A>G

Gene: IQSEC2 (IQ motif and Sec7 domain ArfGEF 2; minus strand). Cytogenetic location: Xp11.22.
Variant type: single nucleotide variant.
Coding change: c.1401+4A>G on transcript NM_001111125.3 (MANE Select); 4 bases into the intron after coding-DNA position 1401, A replaced by G.
Molecular consequence: intron variant.
Genome position (GRCh38, 1-based): chrX:53,254,526, T>C on the plus strand (A>G on the coding strand, the complement: IQSEC2 is on the minus strand). VCF-style: chrX-53254526-T-C. GRCh37 (hg19) VCF-style: chrX-53283708-T-C.
Other names: c.786+4A>G (NM_015075.2).
Identifiers: ClinVar variation 538599 (VCV000538599.9), dbSNP rs1556864509, ClinGen allele CA641552205.

ClinVar aggregate classification (germline): Uncertain significance. Review status: criteria provided, multiple submitters, no conflicts (2 of 4 stars). 2 submissions from 2 submitters: Uncertain significance (2). Last evaluated 2025-09-20.

Conditions:
Intellectual developmental disorder, X-linked 1. Also called: MENTAL RETARDATION, X-LINKED 18; MENTAL RETARDATION, X-LINKED 78; Intellectual disability, X-linked 1; Atkin Flaitz Patil Smith syndrome. Identifiers: Orphanet 777, MedGen C2931498, MONDO:0010656, OMIM 309530.

Allele frequency attached by ClinVar (database versions not stated): gnomAD exomes below 0.00001.

Submissions (2):

GeneDx
Classification: Uncertain significance. Last evaluated: 2025-09-20. Review status: criteria provided, single submitter. Criteria: GeneDx Variant Classification Process June 2021. Collection method: clinical testing. Allele origin: germline.
Comment: In silico analysis suggests that this variant does not alter splicing; Has not been previously published as pathogenic or benign to our knowledge

Labcorp Genetics (formerly Invitae), Labcorp
Classification: Uncertain significance for Intellectual developmental disorder, X-linked 1. Last evaluated: 2023-03-08. Review status: criteria provided, single submitter. Criteria: Invitae Variant Classification Sherloc (09022015). Collection method: clinical testing. Allele origin: germline.
Comment: This variant has not been reported in the literature in individuals affected with IQSEC2-related conditions. ClinVar contains an entry for this variant (Variation ID: 538599). Variants that disrupt the consensus splice site are a relatively common cause of aberrant splicing (PMID: 17576681, 9536098). Algorithms developed to predict the effect of sequence changes on RNA splicing suggest that this variant is not likely to affect RNA splicing. In summary, the available evidence is currently insufficient to determine the role of this variant in disease. Therefore, it has been classified as a Variant of Uncertain Significance. The frequency data for this variant in the population databases is considered unreliable, as metrics indicate poor data quality at this position in the gnomAD database. This sequence change falls in intron 4 of the IQSEC2 gene. It does not directly change the encoded amino acid sequence of the IQSEC2 protein. It affects a nucleotide within the consensus splice site.

Literature cited by the submitters: PubMed 17576681 (cited by Labcorp Genetics (formerly Invitae), Labcorp); PubMed 9536098 (cited by Labcorp Genetics (formerly Invitae), Labcorp).